The following is an entry in ClinVar:

NM_002558.4(P2RX1):c.606-5C>G

Gene: P2RX1 (purinergic receptor P2X 1; minus strand). Cytogenetic location: 17p13.2.
Variant type: single nucleotide variant.
Coding change: c.606-5C>G on transcript NM_002558.4 (MANE Select); 5 bases into the intron before coding-DNA position 606, C replaced by G.
Molecular consequence: intron variant.
Genome position (GRCh38, 1-based): chr17:3,903,348, G>C on the plus strand (C>G on the coding strand, the complement: P2RX1 is on the minus strand). VCF-style: chr17-3903348-G-C. GRCh37 (hg19) VCF-style: chr17-3806642-G-C.
Identifiers: ClinVar variation 4978775 (VCV004978775.1).

ClinVar aggregate classification (germline): Likely benign (1 of 4 stars; one submission).

Conditions:
P2RX1-related disorder. Also called: P2RX1-related condition.

gnomAD v4.1: 18 of 1,613,884 alleles (0.0011%); highest among the groups gnomAD compares: South Asian, 0.0033%; no homozygotes.

Submission:

PreventionGenetics, part of Exact Sciences
Classification: Likely benign for P2RX1-related condition. Last evaluated: 2025-10-28. Review status: criteria provided, single submitter. Criteria: ACMG Guidelines, 2015. Collection method: clinical testing. Allele origin: germline.
Comment: This variant is classified as likely benign based on ACMG/AMP sequence variant interpretation guidelines (Richards et al. 2015 PMID: 25741868, with internal and published modifications).